The following is an entry in ClinVar:

ClinVar aggregate classification (germline): Pathogenic. Review status: criteria provided, multiple submitters, no conflicts (2 of 4 stars). 9 submissions from 9 submitters: Pathogenic (8). 1 of the submissions does not count toward it. Last evaluated 2026-02-26.

Conditions:
SFTPB-related disorder. Also called: SFTPB-related condition.
Hereditary pulmonary alveolar proteinosis. Also called: Pulmonary surfactant metabolism dysfunction. Identifiers: Orphanet 264675, MedGen C3711368, MONDO:0012580.
Surfactant metabolism dysfunction, pulmonary, 1. Also called: INTERSTITIAL LUNG DISEASE DUE TO SURFACTANT PROTEIN B DEFICIENCY; INTERSTITIAL LUNG DISEASE, NONSPECIFIC, DUE TO SURFACTANT PROTEIN B DEFICIENCY; Neonatal acute respiratory distress due to SP-B deficiency; Pulmonary surfactant protein B, deficiency of; PULMONARY ALVEOLAR PROTEINOSIS, CONGENITAL, 1. Identifiers: Orphanet 217563, MedGen C1968602, MONDO:0009929, OMIM 265120.

Submissions (9):

PreventionGenetics, part of Exact Sciences
Classification: Pathogenic for SFTPB-related condition. Last evaluated: 2026-02-26. Review status: criteria provided, single submitter. Criteria: ACMG Guidelines, 2015. Collection method: clinical testing. Allele origin: germline.
Comment: The SFTPB c.397delinsGAA variant is predicted to result in a frameshift and premature protein termination (p.Pro133Glufs*95). This variant has been reported in the compound heterozygous and homozygous states to be causative for pulmonary alveolar proteinosis and fatal neonatal respiratory insufficiency due to surfactant metabolism dysfunction and surfactant protein B deficiency (Nogee et al. 1994. PubMed ID: 8163685; Ballard et al. 1995. PubMed ID: 7491219; Tredano et al. 1999. PubMed ID: 10571948; Turcu et al. 2013. PubMed ID: 23625987; also known as 121ins2 and c.361delinsGAA (p.Pro121GlufsX95) in literature). Of note, this variant in the heterozygous state was reported in one patient with interstitial lung disease, although other reported c.397delinsGAA heterozygous siblings and parents were completely asymptomatic (Rossi et al. 2011. PubMed ID: 21965505). This variant is reported in 0.042% of alleles in individuals of European (Non-Finnish) descent in gnomAD; however, it is called as two separate variants that are always present on the same haplotype (2-85893771-G-GTT and 2-85893772-G-C). Frameshift variants in SFTPB are expected to be pathogenic. This variant is interpreted as pathogenic for autosomal recessive SFTPB-related disease.

Dasa
Classification: Pathogenic for Surfactant metabolism dysfunction, pulmonary, 1. Last evaluated: 2025-11-05. Review status: criteria provided, single submitter. Criteria: DASA Assertion Criteria. Collection method: clinical testing. Allele origin: germline.
Comment: NM_000542.5(SFTPB):c.361delinsGAA (p.Pro121Glufs*95) is a frameshift variant in SFTPB predicted to alter the reading frame and introduce a premature termination codon and is predicted to result in an absent or altered protein product. Loss of function is an established disease mechanism for SFTPB-associated disorders. This variant has been recurrently observed in individuals with SFTPB-related disorders (PMID: 10571948; PMID: 8163685). Also, this variant is absent from population databases. Based on the currently available evidence, this variant is classified as pathogenic.

GeneDx
Classification: Pathogenic. Last evaluated: 2025-08-20. Review status: criteria provided, single submitter. Criteria: GeneDx Variant Classification Process June 2021. Collection method: clinical testing. Allele origin: germline. Affected: yes.
Comment: Observed in the homozygous state in approximately 70% of individuals with hereditary surfactant protein B deficiency (PMID: 19833825, 8163685); Frameshift variant predicted to result in protein truncation or nonsense mediated decay in a gene for which loss of function is a known mechanism of disease; Also known as 121ins2; Also known as NM_000542.5:c.361delinsGAA, p.(P121Efs*95); This variant is associated with the following publications: (PMID: 8163685, 21965505, 23625987, 19833825, 7491219, 28965766)

Baylor Genetics
Classification: Pathogenic for Surfactant metabolism dysfunction, pulmonary, 1. Last evaluated: 2024-02-10. Review status: criteria provided, single submitter. Criteria: ACMG Guidelines, 2015. Collection method: clinical testing. Allele origin: unknown.

Fulgent Genetics
Classification: Pathogenic for Surfactant metabolism dysfunction, pulmonary, 1. Last evaluated: 2024-01-26. Review status: criteria provided, single submitter. Criteria: ACMG Guidelines, 2015. Collection method: clinical testing. Allele origin: germline.

Ambry Genetics
Classification: Pathogenic for Hereditary pulmonary alveolar proteinosis. Last evaluated: 2020-09-14. Review status: criteria provided, single submitter. Criteria: Ambry Variant Classification Scheme 2023. Collection method: clinical testing. Allele origin: germline.
Comment: The c.397delCinsGAA pathogenic mutation (also known as 121ins2 and c.361delCinsGAA), located in coding exon 4 of the SFTPB gene, results from the deletion of one nucleotide and insertion of 3 nucleotides causing a translational frameshift with a predicted alternate stop codon (p.P133Efs*95). This mutation has been reported in several affected cohorts, and more than two-thirds of patients with surfactant protein B deficiency are carriers of the c.397delCinsGAA mutation (Ballard PL et al. Pediatrics, 1995 Dec;96:1046-52; Turcu S et al. Arch. Dis. Child., 2013 Jul;98:490-5; Kurath-Koller S et al. AJP Rep, 2015 Apr;5:e53-9). This mutation is associated with congenital pulmonary alveolar proteinosis and severe respiratory distress in the neonatal period progressing to respiratory failure (Nogee LM et al. J. Clin. Invest., 1994 Apr;93:1860-3). In addition to the clinical data presented in the literature, this alteration is expected to result in loss of function by premature protein truncation or nonsense-mediated mRNA decay. As such, this alteration is interpreted as a disease-causing mutation.

Johns Hopkins Genomics, Johns Hopkins University
Classification: Pathogenic for Surfactant metabolism dysfunction, pulmonary, 1. Last evaluated: 2020-06-04. Review status: criteria provided, single submitter. Criteria: ACMG Guidelines, 2015. Collection method: clinical testing. Allele origin: germline.
Comment: This frameshift variant results in a premature stop codon, likely leading to nonsense-mediated decay and lack of protein production. This variant has been reported in numerous infants with respiratory distress and is considered the most common disease-causing SFTPB variant. SFTPB c.361delCinsGAA (rs779795223) is rare (<0.1%) in a large population dataset (gnomAD: 62/282666 total alleles; 0.02%; no homozygotes), and has been reported in ClinVar. We consider this variant to be pathogenic.

Revvity Omics, Revvity
Classification: Pathogenic for Surfactant metabolism dysfunction, pulmonary, 1. Last evaluated: 2019-07-31. Review status: criteria provided, single submitter. Criteria: ACMG Guidelines, 2015. Collection method: clinical testing. Allele origin: germline.

OMIM
Classification: Pathogenic for SURFACTANT METABOLISM DYSFUNCTION, PULMONARY, 1. Last evaluated: 2006-01-01. Review status: no assertion criteria provided. Collection method: literature only. Allele origin: germline. Not counted in ClinVar's aggregate classification.

Literature cited by the submitters: PubMed 10571948 (cited by 3 submitters); PubMed 8163685 (cited by 4 submitters); PubMed 23625987 (cited by Ambry Genetics); PubMed 26199800 (cited by Ambry Genetics); PubMed 7491219 (cited by Ambry Genetics); PubMed 15927881 (cited by Johns Hopkins Genomics, Johns Hopkins University and OMIM); PubMed 16333843 (cited by Johns Hopkins Genomics, Johns Hopkins University and OMIM).

NM_000542.5(SFTPB):c.361delinsGAA (p.Pro121fs)

Gene: SFTPB (surfactant protein B; minus strand). Cytogenetic location: 2p11.2.
Variant type: Indel.
Coding change: c.361delinsGAA on transcript NM_000542.5 (MANE Select); coding-DNA position 361, C replaced by GAA.
Protein change: p.Pro121fs; shifts the reading frame from proline 121.
Molecular consequence: frameshift variant.
Genome position (GRCh38, 1-based): chr2:85,666,649, G replaced by TTC on the plus strand (C replaced by GAA on the coding strand, the reverse complement: SFTPB is on the minus strand). VCF-style: chr2-85666649-G-TTC. GRCh37 (hg19) VCF-style: chr2-85893772-G-TTC.
Other names: 121ins2; c.361delCinsGAA, p.Pro121Glufs (NM_001367281.2, NM_198843.4); short protein forms P121fs.
Identifiers: ClinVar variation 13201 (VCV000013201.21), dbSNP rs35328240, ClinGen allele CA51754447.